The following is an entry in ClinVar:

NM_001127222.2(CACNA1A):c.4876C>T (p.Arg1626Cys)

Gene: CACNA1A (calcium voltage-gated channel subunit alpha1 A; minus strand). Cytogenetic location: 19p13.13.
Variant type: single nucleotide variant.
Coding change: c.4876C>T on transcript NM_001127222.2 (MANE Select); coding-DNA position 4876, C replaced by T.
Protein change: p.Arg1626Cys; replaces arginine 1626 with cysteine.
Molecular consequence: missense variant.
Genome position (GRCh38, 1-based): chr19:13,245,256, G>A on the plus strand (C>T on the coding strand, the complement: CACNA1A is on the minus strand). VCF-style: chr19-13245256-G-A. GRCh37 (hg19) VCF-style: chr19-13356070-G-A.
Other names: c.4888C>T, p.Arg1630Cys (NM_000068.4, NM_023035.3); c.4879C>T, p.Arg1627Cys (NM_001127221.2, NM_001174080.2); short protein forms R1627C, R1630C, R1626C.
Identifiers: ClinVar variation 575210 (VCV000575210.8), dbSNP rs747020168, ClinGen allele CA9239907.

ClinVar aggregate classification (germline): Uncertain significance (1 of 4 stars; one submission).

Conditions:
Episodic ataxia type 2 (EA2). Also called: ACETAZOLAMIDE-RESPONSIVE HEREDITARY PAROXYSMAL CEREBELLAR ATAXIA; CEREBELLAR ATAXIA, PAROXYSMAL, ACETAZOLAMIDE-RESPONSIVE; CEREBELLOPATHY, HEREDITARY PAROXYSMAL; EPISODIC ATAXIA, NYSTAGMUS-ASSOCIATED; ATAXIA, EPISODIC, WITH NYSTAGMUS; ATAXIA, FAMILIAL PAROXYSMAL. Identifiers: Orphanet 97, MedGen C1720416, MONDO:0007163, OMIM 108500.
Developmental and epileptic encephalopathy, 42 (DEE42A). Also called: DEVELOPMENTAL AND EPILEPTIC ENCEPHALOPATHY 42A; EPILEPTIC ENCEPHALOPATHY, EARLY INFANTILE, 42A; Epileptic encephalopathy, early infantile, 42. Identifiers: MedGen C4310716, MONDO:0014917, OMIM 617106.

Allele frequency attached by ClinVar (database versions not stated): gnomAD exomes below 0.00001 and 0.00001; gnomAD 0.00001 and 0.00002; TOPMed 0.00001; ExAC 0.00002.
gnomAD v4.1: 7 of 1,613,576 alleles (0.00043%); highest among the groups gnomAD compares: South Asian, 0.0022%; no homozygotes.

Submission:

Labcorp Genetics (formerly Invitae), Labcorp
Classification: Uncertain significance for Developmental and epileptic encephalopathy, 42; Episodic ataxia type 2. Last evaluated: 2023-03-10. Review status: criteria provided, single submitter. Criteria: Invitae Variant Classification Sherloc (09022015). Collection method: clinical testing. Allele origin: germline.
Comment: This sequence change replaces arginine, which is basic and polar, with cysteine, which is neutral and slightly polar, at codon 1627 of the CACNA1A protein (p.Arg1627Cys). This variant is present in population databases (rs747020168, gnomAD 0.02%). This variant has not been reported in the literature in individuals affected with CACNA1A-related conditions. ClinVar contains an entry for this variant (Variation ID: 575210). Advanced modeling of protein sequence and biophysical properties (such as structural, functional, and spatial information, amino acid conservation, physicochemical variation, residue mobility, and thermodynamic stability) performed at Invitae indicates that this missense variant is expected to disrupt CACNA1A protein function. In summary, the available evidence is currently insufficient to determine the role of this variant in disease. Therefore, it has been classified as a Variant of Uncertain Significance.